The following is an entry in ClinVar:

NM_001142864.4(PIEZO1):c.5615G>A (p.Arg1872His)

Gene: PIEZO1 (piezo type mechanosensitive ion channel component 1 (Er blood group); minus strand). Cytogenetic location: 16q24.3.
Variant type: single nucleotide variant.
Coding change: c.5615G>A on transcript NM_001142864.4 (MANE Select); coding-DNA position 5615, G replaced by A.
Protein change: p.Arg1872His; replaces arginine 1872 with histidine.
Molecular consequence: missense variant.
Genome position (GRCh38, 1-based): chr16:88,721,219, C>T on the plus strand (G>A on the coding strand, the complement: PIEZO1 is on the minus strand). VCF-style: chr16-88721219-C-T. GRCh37 (hg19) VCF-style: chr16-88787627-C-T.
Other names: p.Arg1872His; c.5615G>A (NM_001142864.3, NM_001142864.2); short protein forms R1872H.
Identifiers: ClinVar variation 811892 (VCV000811892.15), dbSNP rs1004130638, ClinGen allele CA286409533.

ClinVar aggregate classification (germline): Conflicting classifications of pathogenicity. Review status: criteria provided, conflicting classifications (1 of 4 stars). 6 submissions from 6 submitters: Uncertain significance (5); Benign (1). Last evaluated 2026-09-10.

Conditions:
PIEZO1-related disorder. Also called: PIEZO1-related condition; PIEZO1-Related Disorders.
Inborn genetic diseases. Identifiers: MedGen C0950123, MeSH D030342.

Allele frequency attached by ClinVar (database versions not stated): gnomAD exomes 0.00001; gnomAD 0.00004; TOPMed 0.00005.
gnomAD v4.1: 17 of 1,535,874 alleles (0.0011%); highest among the groups gnomAD compares: African/African-American, 0.0027%; no homozygotes.

Submissions (6):

Ambry Genetics
Classification: Uncertain significance for Inborn genetic diseases. Last evaluated: 2026-09-10. Review status: criteria provided, single submitter. Criteria: Ambry Variant Classification Scheme 2023. Collection method: clinical testing. Allele origin: germline.

PreventionGenetics, part of Exact Sciences
Classification: Uncertain significance for PIEZO1-related condition. Last evaluated: 2025-12-31. Review status: criteria provided, single submitter. Criteria: ACMG Guidelines, 2015. Collection method: clinical testing. Allele origin: germline.
Comment: The PIEZO1 c.5615G>A variant is predicted to result in the amino acid substitution p.Arg1872His. To our knowledge, this variant has not been reported in the literature. This variant is reported in 0.016% of alleles in individuals of East Asian descent in gnomAD. At this time, the clinical significance of this variant is uncertain due to the absence of conclusive functional and genetic evidence.

Labcorp Genetics (formerly Invitae), Labcorp
Classification: Benign. Last evaluated: 2025-12-28. Review status: criteria provided, single submitter. Criteria: Invitae Variant Classification Sherloc (09022015). Collection method: clinical testing. Allele origin: germline.

Mayo Clinic Laboratories, Mayo Clinic
Classification: Uncertain significance. Last evaluated: 2025-04-22. Review status: criteria provided, single submitter. Criteria: ACMG Guidelines, 2015. Collection method: clinical testing. Allele origin: germline. Observed: 1 variant allele.
Comment: BP4, PM2_supporting

Revvity Omics, Revvity
Classification: Uncertain significance. Last evaluated: 2024-06-24. Review status: criteria provided, single submitter. Criteria: ACMG Guidelines, 2015. Collection method: clinical testing. Allele origin: germline.

ARUP Laboratories, Molecular Genetics and Genomics, ARUP Laboratories
Classification: Uncertain significance. Last evaluated: 2019-02-11. Review status: criteria provided, single submitter. Criteria: ARUP Molecular Germline Variant Investigation Process. Collection method: clinical testing. Allele origin: germline.